The following is an entry in ClinVar:

ClinVar aggregate classification (germline): Benign/Likely benign. Review status: criteria provided, multiple submitters, no conflicts (2 of 4 stars). 4 submissions from 4 submitters: Benign (1); Likely benign (2). 1 of the submissions does not count toward it. Last evaluated 2025-09-01.

Conditions:
ASXL3-related disorder. Also called: ASXL3-related condition. Identifiers: MedGen CN381524.

Allele frequency attached by ClinVar (database versions not stated): 1000 Genomes Project 30x 0.00016; 1000 Genomes Project 0.00020; ExAC 0.00027; ESP Exome Variant Server 0.00031; gnomAD exomes 0.00033; TOPMed 0.00045.
gnomAD v4.1: 1,123 of 1,613,966 alleles (0.07%); highest among the groups gnomAD compares: Non-Finnish European, 0.089%; no homozygotes.

Submissions (4):

CeGaT Center for Human Genetics Tuebingen
Classification: Likely benign. Last evaluated: 2025-09-01. Review status: criteria provided, single submitter. Criteria: CeGaT Center For Human Genetics Tuebingen Variant Classification Criteria Version 2. Collection method: clinical testing. Allele origin: germline. Affected: yes. Observed: 3 variant alleles.
Comment: ASXL3: BP4, BS2

Blueprint Genetics
Classification: Likely benign. Last evaluated: 2024-11-25. Review status: criteria provided, single submitter. Criteria: ACMG Guidelines, 2015. Collection method: clinical testing. Allele origin: germline.

GeneDx
Classification: Benign. Last evaluated: 2020-03-25. Review status: criteria provided, single submitter. Criteria: GeneDx Variant Classification Process June 2021. Collection method: clinical testing. Allele origin: germline. Affected: yes.

PreventionGenetics, part of Exact Sciences
Classification: Likely benign for ASXL3-related condition. Last evaluated: 2022-02-15. Review status: no assertion criteria provided. Collection method: clinical testing. Allele origin: germline. Not counted in ClinVar's aggregate classification.
Comment: This variant is classified as likely benign based on ACMG/AMP sequence variant interpretation guidelines (Richards et al. 2015 PMID: 25741868, with internal and published modifications).

NM_030632.3(ASXL3):c.4470C>T (p.Ser1490=)

Gene: ASXL3 (ASXL transcriptional regulator 3; plus strand). Cytogenetic location: 18q12.1.
Variant type: single nucleotide variant.
Coding change: c.4470C>T on transcript NM_030632.3 (MANE Select); coding-DNA position 4470, C replaced by T.
Protein change: p.Ser1490=; no amino-acid change (serine 1490 retained).
Molecular consequence: synonymous variant.
Genome position (GRCh38, 1-based): chr18:33,744,318, C>T. VCF-style: chr18-33744318-C-T. GRCh37 (hg19) VCF-style: chr18-31324282-C-T.
Other names: c.4470C>T (NM_030632.2).
Identifiers: ClinVar variation 1229069 (VCV001229069.29), dbSNP rs185893902, ClinGen allele CA8934268.
Genomic context (GRCh38, chr18:33,744,318, plus strand): 5'-GTGTAAAGTCATCGTTGACCACAGCACCACGCTGACCTCCAGTTTGTCTCTGACTGTCTC[C>T]GTTGAAAGCTCAGAAGCCAGCTTGGACCTGCAGGGCAGACCAGTGAGGACAGAGGCATCC-3'
Protein context (NP_085135.1, residues 1480-1500): TLTSSLSLTV[Ser1490=]VESSEASLDL